The following is an entry in ClinVar:

NM_000834.5(GRIN2B):c.2287G>A (p.Gly763Ser)

Gene: GRIN2B (glutamate ionotropic receptor NMDA type subunit 2B; minus strand). Cytogenetic location: 12p13.1.
Variant type: single nucleotide variant.
Coding change: c.2287G>A on transcript NM_000834.5 (MANE Select); coding-DNA position 2287, G replaced by A.
Protein change: p.Gly763Ser; replaces glycine 763 with serine.
Molecular consequence: missense variant.
Genome position (GRCh38, 1-based): chr12:13,569,902, C>T on the plus strand (G>A on the coding strand, the complement: GRIN2B is on the minus strand). VCF-style: chr12-13569902-C-T. GRCh37 (hg19) VCF-style: chr12-13722836-C-T.
Other names: c.2287G>A, p.Gly763Ser (NM_001413992.1); short protein forms G763S.
Identifiers: ClinVar variation 3901881 (VCV003901881.1).

ClinVar aggregate classification (germline): Likely pathogenic (1 of 4 stars; one submission).

Conditions:
Developmental and epileptic encephalopathy, 27 (DEE27). Also called: GRIN2B-Related Neurodevelopmental Disorder; Epileptic encephalopathy, early infantile, 27. Identifiers: Orphanet 3451, MedGen C4015316, MONDO:0014505, OMIM 616139.

Submission:

Rare Disease Center, Seoul National University Hospital
Classification: Likely pathogenic for Developmental and epileptic encephalopathy, 27. Last evaluated: 2025-03-23. Review status: criteria provided, single submitter. Criteria: ACMG Guidelines, 2015. Collection method: provider interpretation. Allele origin: de novo. Affected: yes. Observed: 2 variant alleles.
Comment: In addition, this variant is not present in population databases (gnomAD). Note: This variant was found in clinical genetic testing performed by one or more labs who may also submit to ClinVar. Therefore, any internal case data may overlap with the internal case data of other submitters. The classification and rationale are that of the Rare Disease Center, Seoul National University Hospital